The following is an entry in ClinVar:

ClinVar aggregate classification (germline): Uncertain significance (1 of 4 stars; one submission).

gnomAD v4.1: 1 of 1,607,892 alleles (0.000062%); highest among the groups gnomAD compares: Admixed American, 0.0017%; no homozygotes.

Submission:

GeneDx
Classification: Uncertain significance. Last evaluated: 2025-04-07. Review status: criteria provided, single submitter. Criteria: GeneDx Variant Classification Process June 2021. Collection method: clinical testing. Allele origin: germline. Affected: yes.
Comment: In silico analysis indicates that this variant does not alter splicing; Has not been previously published as pathogenic or benign to our knowledge

NM_001844.5(COL2A1):c.86-3C>A

Gene: COL2A1 (collagen type II alpha 1 chain; minus strand). Cytogenetic location: 12q13.11.
Variant type: single nucleotide variant.
Coding change: c.86-3C>A on transcript NM_001844.5 (MANE Select); 3 bases into the intron before coding-DNA position 86, C replaced by A.
Molecular consequence: intron variant.
Genome position (GRCh38, 1-based): chr12:48,000,128, G>T on the plus strand (C>A on the coding strand, the complement: COL2A1 is on the minus strand). VCF-style: chr12-48000128-G-T. GRCh37 (hg19) VCF-style: chr12-48393911-G-T.
Other names: c.86-1697C>A (NM_033150.3).
Identifiers: ClinVar variation 4281815 (VCV004281815.1).